The following is an entry in ClinVar:

NM_001852.4(COL9A2):c.1235del (p.Gly412fs)

Gene: COL9A2 (collagen type IX alpha 2 chain; minus strand). Cytogenetic location: 1p34.2.
Variant type: Deletion.
Coding change: c.1235del on transcript NM_001852.4 (MANE Select); coding-DNA position 1235, one base deleted (G; older notation c.1235delG).
Protein change: p.Gly412fs; shifts the reading frame from glycine 412.
Molecular consequence: frameshift variant.
Genome position (GRCh38, 1-based): chr1:40,304,372, C deleted on the plus strand (G on the coding strand, the reverse complement: COL9A2 is on the minus strand); the first of 3 consecutive C bases (chr1:40,304,372-40,304,374); deleting any one gives the same sequence. VCF-style (leftmost placement, unchanged base first): chr1-40304371-GC-G. GRCh37 (hg19) VCF-style: chr1-40770043-GC-G.
Other names: c.1235del (NM_001852.3); c.1235delG (NM_001852.3); short protein forms G412fs.
Identifiers: ClinVar variation 2975978 (VCV002975978.5), dbSNP rs1643987343, ClinGen allele CA1164336555.

ClinVar aggregate classification (germline): Pathogenic/Likely pathogenic. Review status: criteria provided, multiple submitters, no conflicts (2 of 4 stars). 3 submissions from 3 submitters: Pathogenic (2); Likely pathogenic (1). Last evaluated 2025-05-06.

Conditions:
COL9A2-related disorder. Also called: COL9A2-related condition.

Submissions (3):

PreventionGenetics, part of Exact Sciences
Classification: Likely pathogenic for COL9A2-related condition. Last evaluated: 2025-05-06. Review status: criteria provided, single submitter. Criteria: ACMG Guidelines, 2015. Collection method: clinical testing. Allele origin: germline.
Comment: The COL9A2 c.1235delG variant is predicted to result in a frameshift and premature protein termination (p.Gly412Alafs*119). This variant has not been reported in the literature or a large population database (gnomAD), indicating this variant is rare. Frameshift variants in COL9A2 are expected to be pathogenic. This variant is interpreted as likely pathogenic.

GeneDx
Classification: Pathogenic. Last evaluated: 2024-11-21. Review status: criteria provided, single submitter. Criteria: GeneDx Variant Classification Process June 2021. Collection method: clinical testing. Allele origin: germline. Affected: yes.
Comment: Frameshift variant predicted to result in protein truncation or nonsense mediated decay in a gene for which loss of function is a known mechanism of disease; Not observed at significant frequency in large population cohorts (gnomAD); Has not been previously published as pathogenic or benign to our knowledge

Labcorp Genetics (formerly Invitae), Labcorp
Classification: Pathogenic. Last evaluated: 2023-07-20. Review status: criteria provided, single submitter. Criteria: Invitae Variant Classification Sherloc (09022015). Collection method: clinical testing. Allele origin: germline.
Comment: This sequence change creates a premature translational stop signal (p.Gly412Alafs*119) in the COL9A2 gene. It is expected to result in an absent or disrupted protein product. Loss-of-function variants in COL9A2 are known to be pathogenic (PMID: 21671392, 33356723). This variant is not present in population databases (gnomAD no frequency). This variant has not been reported in the literature in individuals affected with COL9A2-related conditions. For these reasons, this variant has been classified as Pathogenic.

Literature cited by the submitters: PubMed 21671392 (cited by Labcorp Genetics (formerly Invitae), Labcorp); PubMed 33356723 (cited by Labcorp Genetics (formerly Invitae), Labcorp).